The following is an entry in ClinVar:

NM_153676.4(USH1C):c.440A>G (p.His147Arg)

Gene: USH1C (USH1 protein network component harmonin; minus strand). Cytogenetic location: 11p15.1.
Variant type: single nucleotide variant.
Coding change: c.440A>G on transcript NM_153676.4 (MANE Select); coding-DNA position 440, A replaced by G.
Protein change: p.His147Arg; replaces histidine 147 with arginine.
Molecular consequence: missense variant. On other transcripts: non-coding transcript variant (1).
Genome position (GRCh38, 1-based): chr11:17,527,279, T>C on the plus strand (A>G on the coding strand, the complement: USH1C is on the minus strand). VCF-style: chr11-17527279-T-C. GRCh37 (hg19) VCF-style: chr11-17548826-T-C.
Other names: c.440A>G, p.His147Arg (NM_001297764.2, NM_005709.4); short protein forms H147R.
Identifiers: ClinVar variation 437935 (VCV000437935.7), dbSNP rs777591673, ClinGen allele CA5905044.

ClinVar aggregate classification (germline): Uncertain significance. Review status: criteria provided, single submitter (1 of 4 stars). 3 submissions from 3 submitters: Uncertain significance (1). 2 of the submissions do not count toward it. Last evaluated 2025-03-31.

Conditions:
Usher syndrome. Also called: Usher Syndromes; Usher's syndrome. Identifiers: Orphanet 886, MedGen CN469326, MeSH D052245, MONDO:0019501. Disease mechanism: loss of function.
Autosomal recessive nonsyndromic hearing loss 18A. Also called: DEAFNESS, AUTOSOMAL RECESSIVE 18; Deafness, autosomal recessive 18A. Identifiers: Orphanet 90636, MedGen C1865870, MONDO:0011192, OMIM 602092.
Usher syndrome type 1C. Also called: USHER SYNDROME, TYPE I, ACADIAN VARIETY. Identifiers: Orphanet 231169, Orphanet 886, MedGen C1848604, MONDO:0010171, OMIM 276904.

Allele frequency attached by ClinVar (database versions not stated): TOPMed below 0.00001; ExAC 0.00001; gnomAD 0.00001; gnomAD exomes 0.00001 and 0.00002.

Submissions (3):

Labcorp Genetics (formerly Invitae), Labcorp
Classification: Uncertain significance. Last evaluated: 2025-03-31. Review status: criteria provided, single submitter. Criteria: Invitae Variant Classification Sherloc (09022015). Collection method: clinical testing. Allele origin: germline.
Comment: This sequence change replaces histidine, which is basic and polar, with arginine, which is basic and polar, at codon 147 of the USH1C protein (p.His147Arg). This variant is present in population databases (rs777591673, gnomAD 0.006%). This missense change has been observed in individual(s) with Usher syndrome (PMID: 28041643). ClinVar contains an entry for this variant (Variation ID: 437935). An algorithm developed to predict the effect of missense changes on protein structure and function (PolyPhen-2) suggests that this variant is likely to be disruptive. In summary, the available evidence is currently insufficient to determine the role of this variant in disease. Therefore, it has been classified as a Variant of Uncertain Significance.

Counsyl
Classification: Uncertain significance for Usher syndrome type 1C; Autosomal recessive nonsyndromic hearing loss 18A. Last evaluated: 2018-04-20. Review status: no assertion criteria provided. Collection method: clinical testing. Allele origin: unknown. Not counted in ClinVar's aggregate classification.

NIHR Bioresource Rare Diseases, University of Cambridge
Classification: Likely pathogenic for Usher syndrome. Last evaluated: 2015-01-01. Review status: no assertion criteria provided. Collection method: research. Allele origin: unknown. Affected: yes. Observed: 1 variant allele. Not counted in ClinVar's aggregate classification.

Literature cited by the submitters: PubMed 28041643 (cited by 3 submitters).